The following is an entry in ClinVar:

ClinVar aggregate classification (germline): Uncertain significance. Review status: criteria provided, multiple submitters, no conflicts (2 of 4 stars). 3 submissions from 3 submitters: Uncertain significance (3). Last evaluated 2025-12-29.

Conditions:
Brugada syndrome. Also called: Sudden unexpected nocturnal death syndrome; Sudden unexplained nocturnal death syndrome; Sudden Unexplained Death Syndrome; Sudden Unexplained Nocturnal Death Syndrome (SUNDS). Identifiers: Orphanet 130, MedGen C1142166, MONDO:0015263.
Cardiovascular phenotype. Identifiers: MedGen CN230736.

Allele frequency attached by ClinVar (database versions not stated): gnomAD exomes below 0.00001.
gnomAD v4.1: 3 of 1,602,924 alleles (0.00019%); highest among the groups gnomAD compares: Non-Finnish European, 0.00017%; no homozygotes.

Submissions (3):

Labcorp Genetics (formerly Invitae), Labcorp
Classification: Uncertain significance for Brugada syndrome. Last evaluated: 2025-12-29. Review status: criteria provided, single submitter. Criteria: Invitae Variant Classification Sherloc (09022015). Collection method: clinical testing. Allele origin: germline.
Comment: This sequence change replaces alanine, which is neutral and non-polar, with proline, which is neutral and non-polar, at codon 30 of the CACNA2D1 protein (p.Ala30Pro). This variant is not present in population databases (gnomAD no frequency). This variant has not been reported in the literature in individuals affected with CACNA2D1-related conditions. ClinVar contains an entry for this variant (Variation ID: 2657643). An algorithm developed to predict the effect of missense changes on protein structure and function outputs the following: PolyPhen-2: "Not Available". The proline amino acid residue is found in multiple mammalian species, which suggests that this missense change does not adversely affect protein function. In summary, the available evidence is currently insufficient to determine the role of this variant in disease. Therefore, it has been classified as a Variant of Uncertain Significance.

Ambry Genetics
Classification: Uncertain significance for Cardiovascular phenotype. Last evaluated: 2024-05-24. Review status: criteria provided, single submitter. Criteria: Ambry Variant Classification Scheme 2023. Collection method: clinical testing. Allele origin: germline.
Comment: The p.A30P variant (also known as c.88G>C), located in coding exon 1 of the CACNA2D1 gene, results from a G to C substitution at nucleotide position 88. The alanine at codon 30 is replaced by proline, an amino acid with highly similar properties. This amino acid position is conserved. In addition, this alteration is predicted to be tolerated by in silico analysis. Based on the available evidence, the clinical significance of this variant remains unclear.

CeGaT Center for Human Genetics Tuebingen
Classification: Uncertain significance. Last evaluated: 2022-10-01. Review status: criteria provided, single submitter. Criteria: CeGaT Center For Human Genetics Tuebingen Variant Classification Criteria Version 2. Collection method: clinical testing. Allele origin: germline. Affected: yes. Observed: 1 variant allele.
Comment: CACNA2D1: PM2, PP2

NM_000722.4(CACNA2D1):c.88G>C (p.Ala30Pro)

Gene: CACNA2D1 (calcium voltage-gated channel auxiliary subunit alpha2delta 1; minus strand). Cytogenetic location: 7q21.11.
Variant type: single nucleotide variant.
Coding change: c.88G>C on transcript NM_000722.4 (MANE Select); coding-DNA position 88, G replaced by C.
Protein change: p.Ala30Pro; replaces alanine 30 with proline.
Molecular consequence: missense variant.
Genome position (GRCh38, 1-based): chr7:82,443,372, C>G on the plus strand (G>C on the coding strand, the complement: CACNA2D1 is on the minus strand). VCF-style: chr7-82443372-C-G. GRCh37 (hg19) VCF-style: chr7-82072688-C-G.
Other names: c.88G>C, p.Ala30Pro (NM_001302890.2, NM_001366867.1); short protein forms A30P.
Identifiers: ClinVar variation 2657643 (VCV002657643.26), dbSNP rs1037448033, ClinGen allele CA161649317.